The following is an entry in ClinVar:

ClinVar aggregate classification (germline): Uncertain significance (1 of 4 stars; one submission).

Submission:

Labcorp Genetics (formerly Invitae), Labcorp
Classification: Uncertain significance. Last evaluated: 2022-03-02. Review status: criteria provided, single submitter. Criteria: Invitae Variant Classification Sherloc (09022015). Collection method: clinical testing. Allele origin: germline.
Comment: This sequence change replaces glutamic acid, which is acidic and polar, with leucine, which is neutral and non-polar, at codon 370 of the APOL1 protein (p.Glu370Leu). The frequency data for this variant in the population databases is considered unreliable, as metrics indicate poor data quality at this position in the gnomAD database. This variant has not been reported in the literature in individuals affected with APOL1-related conditions. Algorithms developed to predict the effect of missense changes on protein structure and function are either unavailable or do not agree on the potential impact of this missense change (SIFT: "Not Available"; PolyPhen-2: "Probably Damaging"; Align-GVGD: "Not Available"). In summary, the available evidence is currently insufficient to determine the role of this variant in disease. Therefore, it has been classified as a Variant of Uncertain Significance.

NM_003661.4(APOL1):c.1108_1109delinsTT (p.Glu370Leu)

Gene: APOL1 (apolipoprotein L1; plus strand). Cytogenetic location: 22q12.3.
Variant type: Indel.
Coding change: c.1108_1109delinsTT on transcript NM_003661.4 (MANE Select); coding-DNA positions 1108 to 1109, GA replaced by TT.
Protein change: p.Glu370Leu; replaces glutamic acid 370 with leucine.
Molecular consequence: missense variant.
Genome position (GRCh38, 1-based): chr22:36,265,944-36,265,945, GA replaced by TT. VCF-style: chr22-36265944-GA-TT. GRCh37 (hg19) VCF-style: chr22-36661990-GA-TT.
Other names: c.1108_1109delinsTT, p.Glu370Leu (NM_001136540.2); c.1054_1055delinsTT, p.Glu352Leu (NM_001136541.2, NM_001362927.2); c.1156_1157delinsTT, p.Glu386Leu (NM_145343.3); short protein forms E352L, E370L, E386L.
Identifiers: ClinVar variation 2420164 (VCV002420164.3), dbSNP rs2517929441, ClinGen allele CA2580099731.